The following is an entry in ClinVar:

NM_001184.4(ATR):c.2342-20T>C

Gene: ATR (ATR serine/threonine kinase; minus strand). Cytogenetic location: 3q23.
Variant type: single nucleotide variant.
Coding change: c.2342-20T>C on transcript NM_001184.4 (MANE Select); 20 bases into the intron before coding-DNA position 2342, T replaced by C.
Molecular consequence: intron variant.
Genome position (GRCh38, 1-based): chr3:142,554,035, A>G on the plus strand (T>C on the coding strand, the complement: ATR is on the minus strand). VCF-style: chr3-142554035-A-G. GRCh37 (hg19) VCF-style: chr3-142272877-A-G.
Other names: c.2150-20T>C (NM_001354579.2).
Identifiers: ClinVar variation 391734 (VCV000391734.1), dbSNP rs983859004, ClinGen allele CA16604820.

ClinVar aggregate classification (germline): Likely benign (1 of 4 stars; one submission).

gnomAD v4.1: 4 of 1,561,554 alleles (0.00026%); highest among the groups gnomAD compares: Non-Finnish European, 0.00035%; no homozygotes.

Submission:

GeneDx
Classification: Likely benign. Last evaluated: 2016-12-16. Review status: criteria provided, single submitter. Criteria: GeneDx Variant Classification (06012015). Collection method: clinical testing. Allele origin: germline. Affected: yes.
Comment: This variant is considered likely benign or benign based on one or more of the following criteria: it is a conservative change, it occurs at a poorly conserved position in the protein, it is predicted to be benign by multiple in silico algorithms, and/or has population frequency not consistent with disease.